The following is an entry in ClinVar:

NM_005654.6(NR2F1):c.940G>C (p.Val314Leu)

Gene: NR2F1 (nuclear receptor subfamily 2 group F member 1; plus strand). Cytogenetic location: 5q15.
Variant type: single nucleotide variant.
Coding change: c.940G>C on transcript NM_005654.6 (MANE Select); coding-DNA position 940, G replaced by C.
Protein change: p.Val314Leu; replaces valine 314 with leucine.
Molecular consequence: missense variant.
Genome position (GRCh38, 1-based): chr5:93,588,393, G>C. VCF-style: chr5-93588393-G-C. GRCh37 (hg19) VCF-style: chr5-92924099-G-C.
Other names: c.490G>C, p.Val164Leu (NM_001410754.1); c.940G>C (NM_005654.4); short protein forms V314L, V164L.
Identifiers: ClinVar variation 2145296 (VCV002145296.5), dbSNP rs2480809213, ClinGen allele CA360527423.

ClinVar aggregate classification (germline): Uncertain significance. Review status: criteria provided, multiple submitters, no conflicts (2 of 4 stars). 2 submissions from 2 submitters: Uncertain significance (2). Last evaluated 2026-03-26.

Conditions:
Inborn genetic diseases. Identifiers: MedGen C0950123, MeSH D030342.

Submissions (2):

Ambry Genetics
Classification: Uncertain significance for Inborn genetic diseases. Last evaluated: 2026-03-26. Review status: criteria provided, single submitter. Criteria: Ambry Variant Classification Scheme 2023. Collection method: clinical testing. Allele origin: germline.

Labcorp Genetics (formerly Invitae), Labcorp
Classification: Uncertain significance. Last evaluated: 2022-08-16. Review status: criteria provided, single submitter. Criteria: Invitae Variant Classification Sherloc (09022015). Collection method: clinical testing. Allele origin: germline.
Comment: This variant has not been reported in the literature in individuals affected with NR2F1-related conditions. In summary, the available evidence is currently insufficient to determine the role of this variant in disease. Therefore, it has been classified as a Variant of Uncertain Significance. Advanced modeling of protein sequence and biophysical properties (such as structural, functional, and spatial information, amino acid conservation, physicochemical variation, residue mobility, and thermodynamic stability) performed at Invitae indicates that this missense variant is expected to disrupt NR2F1 protein function. This variant is not present in population databases (gnomAD no frequency). This sequence change replaces valine, which is neutral and non-polar, with leucine, which is neutral and non-polar, at codon 314 of the NR2F1 protein (p.Val314Leu).